The following is an entry in ClinVar:

NM_000081.4(LYST):c.1760A>G (p.Asp587Gly)

Gene: LYST (lysosomal trafficking regulator; minus strand). Cytogenetic location: 1q42.3.
Variant type: single nucleotide variant.
Coding change: c.1760A>G on transcript NM_000081.4 (MANE Select); coding-DNA position 1760, A replaced by G.
Protein change: p.Asp587Gly; replaces aspartic acid 587 with glycine.
Molecular consequence: missense variant.
Genome position (GRCh38, 1-based): chr1:235,809,058, T>C on the plus strand (A>G on the coding strand, the complement: LYST is on the minus strand). VCF-style: chr1-235809058-T-C. GRCh37 (hg19) VCF-style: chr1-235972358-T-C.
Other names: c.1760A>G, p.Asp587Gly (NM_001301365.1); short protein forms D587G.
Identifiers: ClinVar variation 1718408 (VCV001718408.5), dbSNP rs2527110509, ClinGen allele CA344961702.
Genomic context (GRCh38, chr1:235,809,058, plus strand): 5'-AAATTTTTCAGTGCTGGCAATTTAAAAGCATGGAGCAAAGGAATGATTACAGATTTGGGA[T>C]CCATACAACAGCATATTCCAATGTTATGAACACCCGATAGGATCTGGACACAAGTGCTGC-3'
Protein context (NP_000072.2, residues 577-597): VHNIGICCCM[Asp587Gly]PKSVIIPLLH

ClinVar aggregate classification (germline): Uncertain significance (1 of 4 stars; one submission).

Conditions:
Chédiak-Higashi syndrome (CHS). Also called: Chediak-Higashi Syndrome. Identifiers: Orphanet 167, MedGen C0007965, MONDO:0008963, OMIM 214500.

Submission:

Labcorp Genetics (formerly Invitae), Labcorp
Classification: Uncertain significance for Chédiak-Higashi syndrome. Last evaluated: 2022-10-10. Review status: criteria provided, single submitter. Criteria: Invitae Variant Classification Sherloc (09022015). Collection method: clinical testing. Allele origin: germline.
Comment: In summary, the available evidence is currently insufficient to determine the role of this variant in disease. Therefore, it has been classified as a Variant of Uncertain Significance. Advanced modeling of protein sequence and biophysical properties (such as structural, functional, and spatial information, amino acid conservation, physicochemical variation, residue mobility, and thermodynamic stability) has been performed at Invitae for this missense variant, however the output from this modeling did not meet the statistical confidence thresholds required to predict the impact of this variant on LYST protein function. This variant has not been reported in the literature in individuals affected with LYST-related conditions. This variant is not present in population databases (gnomAD no frequency). This sequence change replaces aspartic acid, which is acidic and polar, with glycine, which is neutral and non-polar, at codon 587 of the LYST protein (p.Asp587Gly).